The following is an entry in ClinVar:

ClinVar aggregate classification (germline): Benign/Likely benign. Review status: criteria provided, multiple submitters, no conflicts (2 of 4 stars). 11 submissions from 8 submitters: Benign (3); Likely benign (8). Last evaluated 2026-02-03.

Conditions:
Congenital myopathy 18. Also called: Myopathy, congenital, due to dihydropyridine receptor defect; DIHYDROPYRIDINE RECEPTOR CONGENITAL MYOPATHY; DHPR CONGENITAL MYOPATHY. Identifiers: MedGen C5830283, MONDO:0859514, OMIM 620246.
Hypokalemic periodic paralysis, type 1. Also called: Hypokalemic Periodic Paralysis Type 1 (AD); HypoPP. Identifiers: Orphanet 681, MedGen C3714580, MONDO:0042979, OMIM 170400.
Malignant hyperthermia, susceptibility to, 5 (MHS5). Also called: CACNA1S-Related Malignant Hyperthermia Susceptibility. Identifiers: Orphanet 423, MedGen C1866077, MONDO:0011163, OMIM 601887.
Thyrotoxic periodic paralysis, susceptibility to, 1 (TTPP1). Identifiers: Orphanet 79102, MedGen C2749982, MONDO:0008570, OMIM 188580.

Allele frequency attached by ClinVar (database versions not stated): 1000 Genomes Project 0.00020; gnomAD 0.00059; ESP Exome Variant Server 0.00108.
gnomAD v4.1: 1,736 of 1,509,420 alleles (0.12%); highest among the groups gnomAD compares: Non-Finnish European, 0.14%; no homozygotes.

Submissions (11):

Labcorp Genetics (formerly Invitae), Labcorp
Classification: Benign for Hypokalemic periodic paralysis, type 1; Malignant hyperthermia, susceptibility to, 5. Last evaluated: 2026-02-03. Review status: criteria provided, single submitter. Criteria: Invitae Variant Classification Sherloc (09022015). Collection method: clinical testing. Allele origin: germline.

Mayo Clinic Laboratories, Mayo Clinic
Classification: Likely benign. Last evaluated: 2025-09-24. Review status: criteria provided, single submitter. Criteria: ACMG Guidelines, 2015. Collection method: clinical testing. Allele origin: germline. Observed: 2 variant alleles.
Comment: BP4, BP7

Blueprint Genetics
Classification: Likely benign. Last evaluated: 2024-10-17. Review status: criteria provided, single submitter. Criteria: ACMG Guidelines, 2015. Collection method: clinical testing. Allele origin: germline.

Genome-Nilou Lab
Classification: Likely benign for Malignant hyperthermia, susceptibility to, 5. Last evaluated: 2023-04-11. Review status: criteria provided, single submitter. Criteria: ACMG Guidelines, 2015. Collection method: clinical testing. Allele origin: germline. Affected: no.

Genome-Nilou Lab
Classification: Likely benign for Thyrotoxic periodic paralysis, susceptibility to, 1. Last evaluated: 2023-04-11. Review status: criteria provided, single submitter. Criteria: ACMG Guidelines, 2015. Collection method: clinical testing. Allele origin: germline. Affected: no.

Genome-Nilou Lab
Classification: Likely benign for Congenital myopathy 18. Last evaluated: 2023-04-11. Review status: criteria provided, single submitter. Criteria: ACMG Guidelines, 2015. Collection method: clinical testing. Allele origin: germline. Affected: no.

Genome-Nilou Lab
Classification: Likely benign for Hypokalemic periodic paralysis, type 1. Last evaluated: 2023-04-11. Review status: criteria provided, single submitter. Criteria: ACMG Guidelines, 2015. Collection method: clinical testing. Allele origin: germline. Affected: no.

Fulgent Genetics
Classification: Likely benign for Hypokalemic periodic paralysis, type 1; Thyrotoxic periodic paralysis, susceptibility to, 1; Malignant hyperthermia, susceptibility to, 5. Last evaluated: 2021-10-21. Review status: criteria provided, single submitter. Criteria: ACMG Guidelines, 2015. Collection method: clinical testing. Allele origin: unknown.

Athena Diagnostics
Classification: Benign. Last evaluated: 2020-02-27. Review status: criteria provided, single submitter. Criteria: Athena Diagnostics Criteria. Collection method: clinical testing. Allele origin: unknown.

Illumina Laboratory Services, Illumina
Classification: Benign for Hypokalemic periodic paralysis, type 1. Last evaluated: 2018-01-13. Review status: criteria provided, single submitter. Criteria: ICSL Variant Classification Criteria 13 December 2019. Collection method: clinical testing. Allele origin: germline.
Comment: This variant was observed in the ICSL laboratory as part of a predisposition screen in an ostensibly healthy population. It had not been previously curated by ICSL or reported in the Human Gene Mutation Database (HGMD: prior to June 1st, 2018), and was therefore a candidate for classification through an automated scoring system. Utilizing variant allele frequency, disease prevalence and penetrance estimates, and inheritance mode, an automated score was calculated to assess if this variant is too frequent to cause the disease. Based on the score and internal cut-off values, a variant classified as benign is not then subjected to further curation. The score for this variant resulted in a classification of benign for this disease.

PreventionGenetics, part of Exact Sciences
Classification: Likely benign. Review status: criteria provided, single submitter. Criteria: ACMG Guidelines, 2015. Collection method: clinical testing. Allele origin: germline.

NM_000069.3(CACNA1S):c.1948+10C>G

Gene: CACNA1S (calcium voltage-gated channel subunit alpha1 S; minus strand). Cytogenetic location: 1q32.1.
Variant type: single nucleotide variant.
Coding change: c.1948+10C>G on transcript NM_000069.3 (MANE Select); 10 bases into the intron after coding-DNA position 1948, C replaced by G.
Molecular consequence: intron variant.
Genome position (GRCh38, 1-based): chr1:201,075,485, G>C on the plus strand (C>G on the coding strand, the complement: CACNA1S is on the minus strand). VCF-style: chr1-201075485-G-C. GRCh37 (hg19) VCF-style: chr1-201044613-G-C.
Other names: p.?.
Identifiers: ClinVar variation 254805 (VCV000254805.23), dbSNP rs201173419, ClinGen allele CA078680.